The following is an entry in ClinVar:

ClinVar aggregate classification (germline): Conflicting classifications of pathogenicity. Review status: criteria provided, conflicting classifications (1 of 4 stars). 5 submissions from 5 submitters: Uncertain significance (4); Likely benign (1). Last evaluated 2025-12-15.

Conditions:
Adams-Oliver syndrome 5 (AOS5). Identifiers: Orphanet 974, MedGen C4014970, MONDO:0014459, OMIM 616028.
Familial thoracic aortic aneurysm and aortic dissection (TAAD). Also called: Thoracic aortic aneurysms and dissections. Identifiers: Orphanet 91387, MedGen C4707243, MONDO:0019625.

Allele frequency attached by ClinVar (database versions not stated): gnomAD 0.00001; gnomAD exomes 0.00003 and 0.00006; TOPMed 0.00003; ExAC 0.00008; ESP Exome Variant Server 0.00008.
gnomAD v4.1: 53 of 1,613,126 alleles (0.0033%); highest among the groups gnomAD compares: Middle Eastern, 0.033%; no homozygotes.

Submissions (5):

Labcorp Genetics (formerly Invitae), Labcorp
Classification: Likely benign for Adams-Oliver syndrome 5. Last evaluated: 2025-12-15. Review status: criteria provided, single submitter. Criteria: Invitae Variant Classification Sherloc (09022015). Collection method: clinical testing. Allele origin: germline.

GeneDx
Classification: Uncertain significance. Last evaluated: 2025-04-15. Review status: criteria provided, single submitter. Criteria: GeneDx Variant Classification Process June 2021. Collection method: clinical testing. Allele origin: germline. Affected: yes.
Comment: Has not been previously published as pathogenic or benign to our knowledge; In silico analysis indicates that this missense variant does not alter protein structure/function

Ambry Genetics
Classification: Uncertain significance for Familial thoracic aortic aneurysm and aortic dissection. Last evaluated: 2024-07-31. Review status: criteria provided, single submitter. Criteria: Ambry Variant Classification Scheme 2023. Collection method: clinical testing. Allele origin: germline.
Comment: The p.D1064N variant (also known as c.3190G>A), located in coding exon 20 of the NOTCH1 gene, results from a G to A substitution at nucleotide position 3190. The aspartic acid at codon 1064 is replaced by asparagine, an amino acid with highly similar properties. This variant has been detected in an individual with hypoplastic left heart (Stanley KJ et al. Eur J Hum Genet. 2024 Jul;32(7):795-803). This amino acid position is well conserved in available vertebrate species. In addition, this alteration is predicted to be tolerated by in silico analysis. Based on the available evidence, the clinical significance of this variant remains unclear.

Institute for Clinical Genetics, University Hospital TU Dresden, University Hospital TU Dresden
Classification: Uncertain significance. Last evaluated: 2021-11-03. Review status: criteria provided, single submitter. Criteria: ACMG Guidelines, 2015. Collection method: clinical testing. Allele origin: germline.

Women's Health and Genetics/Laboratory Corporation of America, LabCorp
Classification: Uncertain significance. Last evaluated: 2020-06-25. Review status: criteria provided, single submitter. Criteria: LabCorp Variant Classification Summary - May 2015. Collection method: clinical testing. Allele origin: germline.
Comment: Variant summary: NOTCH1 c.3190G>A (p.Asp1064Asn) results in a conservative amino acid change located in the EGF-like domain of the encoded protein sequence. Three of five in-silico tools predict a damaging effect of the variant on protein function. The variant allele was found at a frequency of 6e-05 in 248542 control chromosomes. To our knowledge, no occurrence of c.3190G>A in individuals affected with Adams-Oliver Syndrome 5 and no experimental evidence demonstrating its impact on protein function have been reported. One clinical diagnostic laboratory has submitted clinical-significance assessments for this variant to ClinVar after 2014 without evidence for independent evaluation. One laboratory classified the variant as uncertain significance. Based on the evidence outlined above, the variant was classified as uncertain significance.

Literature cited by the submitters: PubMed 38778082 (cited by Ambry Genetics).

NM_017617.5(NOTCH1):c.3190G>A (p.Asp1064Asn)

Gene: NOTCH1 (notch receptor 1; minus strand). Cytogenetic location: 9q34.3.
Variant type: single nucleotide variant.
Coding change: c.3190G>A on transcript NM_017617.5 (MANE Select); coding-DNA position 3190, G replaced by A.
Protein change: p.Asp1064Asn; replaces aspartic acid 1064 with asparagine.
Molecular consequence: missense variant.
Genome position (GRCh38, 1-based): chr9:136,508,367, C>T on the plus strand (G>A on the coding strand, the complement: NOTCH1 is on the minus strand). VCF-style: chr9-136508367-C-T. GRCh37 (hg19) VCF-style: chr9-139402819-C-T.
Other names: c.3190G>A, p.Asp1064Asn (LRG_1122t1); short protein forms D1064N.
Identifiers: ClinVar variation 477911 (VCV000477911.20), dbSNP rs375931404, ClinGen allele CA5341021.